The following is an entry in ClinVar:

ClinVar aggregate classification (germline): Uncertain significance (1 of 4 stars; one submission).

Conditions:
Early-infantile DEE. Also called: Early infantile epileptic encephalopathy; Ohtahara syndrome; Early infantile epileptic encephalopathy with suppression bursts. Identifiers: Orphanet 1934, MedGen C0393706, MONDO:0800491.

Submission:

Labcorp Genetics (formerly Invitae), Labcorp
Classification: Uncertain significance for Early-infantile DEE. Last evaluated: 2024-04-05. Review status: criteria provided, single submitter. Criteria: Invitae Variant Classification Sherloc (09022015). Collection method: clinical testing. Allele origin: germline.
Comment: This sequence change replaces isoleucine, which is neutral and non-polar, with serine, which is neutral and polar, at codon 605 of the SCN8A protein (p.Ile605Ser). This variant is not present in population databases (gnomAD no frequency). This variant has not been reported in the literature in individuals affected with SCN8A-related conditions. Advanced modeling of protein sequence and biophysical properties (such as structural, functional, and spatial information, amino acid conservation, physicochemical variation, residue mobility, and thermodynamic stability) performed at Invitae indicates that this missense variant is not expected to disrupt SCN8A protein function with a negative predictive value of 95%. In summary, the available evidence is currently insufficient to determine the role of this variant in disease. Therefore, it has been classified as a Variant of Uncertain Significance.

NM_001330260.2(SCN8A):c.1814T>G (p.Ile605Ser)

Gene: SCN8A (sodium voltage-gated channel alpha subunit 8; plus strand). Cytogenetic location: 12q13.13.
Variant type: single nucleotide variant.
Coding change: c.1814T>G on transcript NM_001330260.2 (MANE Select); coding-DNA position 1814, T replaced by G.
Protein change: p.Ile605Ser; replaces isoleucine 605 with serine.
Molecular consequence: missense variant.
Genome position (GRCh38, 1-based): chr12:51,721,724, T>G. VCF-style: chr12-51721724-T-G. GRCh37 (hg19) VCF-style: chr12-52115508-T-G.
Other names: c.1814T>G, p.Ile605Ser (NM_001177984.3, NM_001369788.1, NM_014191.4); short protein forms I605S.
Identifiers: ClinVar variation 3635187 (VCV003635187.2).